The following is an entry in ClinVar:

NM_021090.4(MTMR3):c.*1670C>T

Genes: HORMAD2-AS1 (HORMAD2 and MTMR3 antisense RNA 1; minus strand), MTMR3 (myotubularin related protein 3; plus strand). Cytogenetic location: 22q12.2.
Variant type: single nucleotide variant.
Coding change: c.*1670C>T on transcript NM_021090.4 (MANE Select); 1670 bases downstream of the stop codon, C replaced by T.
Molecular consequence: 3 prime UTR variant.
Genome position (GRCh38, 1-based): chr22:30,027,471, C>T. VCF-style: chr22-30027471-C-T. GRCh37 (hg19) VCF-style: chr22-30423460-C-T.
Other names: c.*1670C>T (NM_153050.3, NM_153051.3).
Identifiers: ClinVar variation 1225402 (VCV001225402.4), dbSNP rs12537, ClinGen allele CA14957592.

ClinVar aggregate classification (germline): Benign. Review status: criteria provided, multiple submitters, no conflicts (2 of 4 stars). 2 submissions from 2 submitters: Benign (2). Last evaluated 2019-08-23.

Allele frequency attached by ClinVar (database versions not stated): 1000 Genomes Project 0.38738; 1000 Genomes Project 30x 0.38898; gnomAD exomes 0.39619; gnomAD 0.40067 and 0.40292; TOPMed 0.40094.
gnomAD v4.1: 61,228 of 152,638 alleles (40%); highest among the groups gnomAD compares: Admixed American, 46%; 12,551 homozygotes.

Submissions (2):

GeneDx
Classification: Benign. Last evaluated: 2019-08-23. Review status: criteria provided, single submitter. Criteria: GeneDx Variant Classification Process June 2021. Collection method: clinical testing. Allele origin: germline. Affected: yes.
Comment: This variant is associated with the following publications: (PMID: 22971574)

Breakthrough Genomics
Classification: Benign. Review status: criteria provided, single submitter. Criteria: ACMG Guidelines, 2015. Collection method: not provided. Allele origin: germline. Inheritance: Unknown mechanism. Affected: yes.